The following is an entry in ClinVar:

NM_000143.4(FH):c.1274A>G (p.Asp425Gly)

Gene: FH (fumarate hydratase; minus strand). Cytogenetic location: 1q43.
Variant type: single nucleotide variant.
Coding change: c.1274A>G on transcript NM_000143.4 (MANE Select); coding-DNA position 1274, A replaced by G.
Protein change: p.Asp425Gly; replaces aspartic acid 425 with glycine.
Molecular consequence: missense variant.
Genome position (GRCh38, 1-based): chr1:241,500,553, T>C on the plus strand (A>G on the coding strand, the complement: FH is on the minus strand). VCF-style: chr1-241500553-T-C. GRCh37 (hg19) VCF-style: chr1-241663853-T-C.
Other names: short protein forms D425G.
Identifiers: ClinVar variation 3902235 (VCV003902235.2).
Genomic context (GRCh38, chr1:241,500,553, plus strand): 5'-ATCCTTTCTGTATTGGCCTGGATTCCCACCACGCAGTTTTCTGTAAAGGAAACTGAAGCA[T>C]CCCCCAGCAGCCTGGCTGAGTGTAACACATTTTTAATCTTTGAGTGAGTGAGAGAGAGAG-3'
Protein context (NP_000134.2, residues 415-435): NVLHSARLLG[Asp425Gly]ASVSFTENCV

ClinVar aggregate classification (germline): Uncertain significance. Review status: criteria provided, multiple submitters, no conflicts (2 of 4 stars). 2 submissions from 2 submitters: Uncertain significance (2). Last evaluated 2025-05-13.

Conditions:
Hereditary cancer-predisposing syndrome. Also called: Neoplastic Syndromes, Hereditary; Tumor predisposition; Hereditary Cancer Syndrome; Hereditary neoplastic syndrome. Identifiers: Orphanet 140162, MedGen C0027672, MeSH D009386, MONDO:0015356.

Submissions (2):

Women's Health and Genetics/Laboratory Corporation of America, LabCorp
Classification: Uncertain significance. Last evaluated: 2025-05-13. Review status: criteria provided, single submitter. Criteria: LabCorp Variant Classification Summary - May 2015. Collection method: clinical testing. Allele origin: germline.
Comment: Variant summary: FH c.1274A>G (p.Asp425Gly) results in a non-conservative amino acid change in the encoded protein sequence. Algorithms developed to predict the effect of missense changes on protein structure and function all suggest that this variant is likely to be disruptive. The variant was absent in 251222 control chromosomes. The available data on variant occurrences in the general population are insufficient to allow any conclusion about variant significance. To our knowledge, no occurrence of c.1274A>G in individuals affected with Fumarate Hydratase Deficiency and no experimental evidence demonstrating its impact on protein function have been reported. No submitters have cited clinical-significance assessments for this variant to ClinVar. Based on the evidence outlined above, the variant was classified as uncertain significance.

Ambry Genetics
Classification: Uncertain significance for Hereditary cancer-predisposing syndrome. Last evaluated: 2025-03-27. Review status: criteria provided, single submitter. Criteria: Ambry Variant Classification Scheme 2023. Collection method: clinical testing. Allele origin: germline.
Comment: The p.D425G variant (also known as c.1274A>G), located in coding exon 9 of the FH gene, results from an A to G substitution at nucleotide position 1274. The aspartic acid at codon 425 is replaced by glycine, an amino acid with similar properties. This amino acid position is highly conserved in available vertebrate species. In addition, this alteration is predicted to be deleterious by in silico analysis. Based on the available evidence, the clinical significance of this variant remains unclear.